The following is an entry in ClinVar:

NM_001605.3(AARS1):c.1396G>A (p.Asp466Asn)

Gene: AARS1 (alanyl-tRNA synthetase 1; minus strand). Cytogenetic location: 16q22.1.
Variant type: single nucleotide variant.
Coding change: c.1396G>A on transcript NM_001605.3 (MANE Select); coding-DNA position 1396, G replaced by A.
Protein change: p.Asp466Asn; replaces aspartic acid 466 with asparagine.
Molecular consequence: missense variant.
Genome position (GRCh38, 1-based): chr16:70,265,054, C>T on the plus strand (G>A on the coding strand, the complement: AARS1 is on the minus strand). VCF-style: chr16-70265054-C-T. GRCh37 (hg19) VCF-style: chr16-70298957-C-T.
Other names: short protein forms D466N.
Identifiers: ClinVar variation 3680396 (VCV003680396.2).

ClinVar aggregate classification (germline): Uncertain significance (1 of 4 stars; one submission).

Conditions:
Charcot-Marie-Tooth disease type 2. Also called: Charcot-Marie-Tooth type 2. Identifiers: Orphanet 64746, MedGen C0270914, MONDO:0018993.

Submission:

Labcorp Genetics (formerly Invitae), Labcorp
Classification: Uncertain significance for Charcot-Marie-Tooth disease type 2. Last evaluated: 2024-07-26. Review status: criteria provided, single submitter. Criteria: Invitae Variant Classification Sherloc (09022015). Collection method: clinical testing. Allele origin: germline.
Comment: This sequence change replaces aspartic acid, which is acidic and polar, with asparagine, which is neutral and polar, at codon 466 of the AARS protein (p.Asp466Asn). This variant is not present in population databases (gnomAD no frequency). This variant has not been reported in the literature in individuals affected with AARS-related conditions. Advanced modeling of protein sequence and biophysical properties (such as structural, functional, and spatial information, amino acid conservation, physicochemical variation, residue mobility, and thermodynamic stability) performed at Invitae indicates that this missense variant is not expected to disrupt AARS protein function with a negative predictive value of 95%. In summary, the available evidence is currently insufficient to determine the role of this variant in disease. Therefore, it has been classified as a Variant of Uncertain Significance.